The following is an entry in ClinVar:

ClinVar aggregate classification (germline): Uncertain significance. Review status: criteria provided, multiple submitters, no conflicts (2 of 4 stars). 2 submissions from 2 submitters: Uncertain significance (2). Last evaluated 2022-08-08.

Conditions:
Kabuki syndrome. Also called: Kabuki make-up syndrome; NIIKAWA-KUROKI SYNDROME. Identifiers: Orphanet 2322, MedGen C0796004, MONDO:0016512.

Allele frequency attached by ClinVar (database versions not stated): gnomAD exomes below 0.00001; TOPMed 0.00002; gnomAD 0.00005.
gnomAD v4.1: 9 of 1,519,400 alleles (0.00059%); highest among the groups gnomAD compares: Admixed American, 0.018%; no homozygotes.

Submissions (2):

Labcorp Genetics (formerly Invitae), Labcorp
Classification: Uncertain significance for Kabuki syndrome. Last evaluated: 2022-08-08. Review status: criteria provided, single submitter. Criteria: Invitae Variant Classification Sherloc (09022015). Collection method: clinical testing. Allele origin: germline.
Comment: This sequence change replaces proline, which is neutral and non-polar, with leucine, which is neutral and non-polar, at codon 844 of the KMT2D protein (p.Pro844Leu). The frequency data for this variant in the population databases is considered unreliable, as metrics indicate poor data quality at this position in the gnomAD database. This variant has not been reported in the literature in individuals affected with KMT2D-related conditions. ClinVar contains an entry for this variant (Variation ID: 1309459). Advanced modeling of protein sequence and biophysical properties (such as structural, functional, and spatial information, amino acid conservation, physicochemical variation, residue mobility, and thermodynamic stability) performed at Invitae indicates that this missense variant is not expected to disrupt KMT2D protein function. In summary, the available evidence is currently insufficient to determine the role of this variant in disease. Therefore, it has been classified as a Variant of Uncertain Significance.

GeneDx
Classification: Uncertain significance. Last evaluated: 2019-08-29. Review status: criteria provided, single submitter. Criteria: GeneDx Variant Classification Process June 2021. Collection method: clinical testing. Allele origin: germline. Affected: yes.
Comment: In silico analysis, which includes protein predictors and evolutionary conservation, supports that this variant does not alter protein structure/function; Has not been previously published as pathogenic or benign to our knowledge; No data available from control populations to assess the frequency of this variant

NM_003482.4(KMT2D):c.2531C>T (p.Pro844Leu)

Gene: KMT2D (lysine methyltransferase 2D; minus strand). Cytogenetic location: 12q13.12.
Variant type: single nucleotide variant.
Coding change: c.2531C>T on transcript NM_003482.4 (MANE Select); coding-DNA position 2531, C replaced by T.
Protein change: p.Pro844Leu; replaces proline 844 with leucine.
Molecular consequence: missense variant.
Genome position (GRCh38, 1-based): chr12:49,051,152, G>A on the plus strand (C>T on the coding strand, the complement: KMT2D is on the minus strand). VCF-style: chr12-49051152-G-A. GRCh37 (hg19) VCF-style: chr12-49444935-G-A.
Other names: short protein forms P844L.
Identifiers: ClinVar variation 1309459 (VCV001309459.3), dbSNP rs1338543181, ClinGen allele CA384665607.